The following is an entry in ClinVar:

ClinVar aggregate classification (germline): Uncertain significance (1 of 4 stars; one submission).

Submission:

Labcorp Genetics (formerly Invitae), Labcorp
Classification: Uncertain significance. Last evaluated: 2024-12-10. Review status: criteria provided, single submitter. Criteria: Invitae Variant Classification Sherloc (09022015). Collection method: clinical testing. Allele origin: germline.
Comment: This sequence change replaces tyrosine, which is neutral and polar, with cysteine, which is neutral and slightly polar, at codon 159 of the MBTPS2 protein (p.Tyr159Cys). This variant is not present in population databases (gnomAD no frequency). This variant has not been reported in the literature in individuals affected with MBTPS2-related conditions. Invitae Evidence Modeling of protein sequence and biophysical properties (such as structural, functional, and spatial information, amino acid conservation, physicochemical variation, residue mobility, and thermodynamic stability) indicates that this missense variant is expected to disrupt MBTPS2 protein function with a positive predictive value of 95%. In summary, the available evidence is currently insufficient to determine the role of this variant in disease. Therefore, it has been classified as a Variant of Uncertain Significance.

NM_015884.4(MBTPS2):c.476A>G (p.Tyr159Cys)

Gene: MBTPS2 (membrane bound transcription factor peptidase, site 2; plus strand). Cytogenetic location: Xp22.12.
Variant type: single nucleotide variant.
Coding change: c.476A>G on transcript NM_015884.4 (MANE Select); coding-DNA position 476, A replaced by G.
Protein change: p.Tyr159Cys; replaces tyrosine 159 with cysteine.
Molecular consequence: missense variant.
Genome position (GRCh38, 1-based): chrX:21,851,546, A>G. VCF-style: chrX-21851546-A-G. GRCh37 (hg19) VCF-style: chrX-21869664-A-G.
Other names: short protein forms Y159C.
Identifiers: ClinVar variation 3660862 (VCV003660862.2).
Genomic context (GRCh38, chrX:21,851,546, plus strand): 5'-TGCCATATTGTGTCTATGAACAGGTTCCTGGTATAAATTTACCCGTCAATCAACTGACCT[A>G]TTTCTTCACGGCAGTTCTCATTAGTGGTGTTGTACATGAAATTGGACATGGGATAGCAGC-3'
Protein context (NP_056968.1, residues 149-169): GINLPVNQLT[Tyr159Cys]FFTAVLISGV